The following is an entry in ClinVar:

ClinVar aggregate classification (germline): Uncertain significance (1 of 4 stars; one submission).

Conditions:
Brachyolmia-amelogenesis imperfecta syndrome. Also called: Tooth agenesis, selective, 6; Dental anomalies and short stature; PLATYSPONDYLY WITH AMELOGENESIS IMPERFECTA. Identifiers: Orphanet 2899, MedGen C1832594, MONDO:0011018, OMIM 601216. Disease mechanism: loss of function.

Submission:

Labcorp Genetics (formerly Invitae), Labcorp
Classification: Uncertain significance for Brachyolmia-amelogenesis imperfecta syndrome. Last evaluated: 2023-11-27. Review status: criteria provided, single submitter. Criteria: Invitae Variant Classification Sherloc (09022015). Collection method: clinical testing. Allele origin: germline.
Comment: This sequence change replaces glutamic acid, which is acidic and polar, with aspartic acid, which is acidic and polar, at codon 1133 of the LTBP3 protein (p.Glu1133Asp). This variant is not present in population databases (gnomAD no frequency). This variant has not been reported in the literature in individuals affected with LTBP3-related conditions. ClinVar contains an entry for this variant (Variation ID: 1436341). An algorithm developed to predict the effect of missense changes on protein structure and function (PolyPhen-2) suggests that this variant is likely to be tolerated. In summary, the available evidence is currently insufficient to determine the role of this variant in disease. Therefore, it has been classified as a Variant of Uncertain Significance.

NM_001130144.3(LTBP3):c.3399G>T (p.Glu1133Asp)

Gene: LTBP3 (latent transforming growth factor beta binding protein 3; minus strand). Cytogenetic location: 11q13.1.
Variant type: single nucleotide variant.
Coding change: c.3399G>T on transcript NM_001130144.3 (MANE Select); coding-DNA position 3399, G replaced by T.
Protein change: p.Glu1133Asp; replaces glutamic acid 1133 with aspartic acid.
Molecular consequence: missense variant.
Genome position (GRCh38, 1-based): chr11:65,539,868, C>A on the plus strand (G>T on the coding strand, the complement: LTBP3 is on the minus strand). VCF-style: chr11-65539868-C-A. GRCh37 (hg19) VCF-style: chr11-65307339-C-A.
Other names: c.2907G>T, p.Glu969Asp (NM_001164266.1); c.3258G>T, p.Glu1086Asp (NM_021070.4); short protein forms E1133D, E969D, E1086D.
Identifiers: ClinVar variation 1436341 (VCV001436341.6), dbSNP rs2135118725, ClinGen allele CA381266965.